The following is an entry in ClinVar:

ClinVar aggregate classification (germline): Likely pathogenic (1 of 4 stars; one submission).

Submission:

GeneDx
Classification: Likely pathogenic. Last evaluated: 2025-02-04. Review status: criteria provided, single submitter. Criteria: GeneDx Variant Classification Process June 2021. Collection method: clinical testing. Allele origin: germline. Affected: yes.
Comment: Described as c.3840insATGA and observed with a second CDH23 variant, phase unknown, in a family with Usher syndrome in published literature (PMID: 12075507); Frameshift variant predicted to result in protein truncation or nonsense mediated decay in a gene for which loss of function is a known mechanism of disease; Not observed at significant frequency in large population cohorts (gnomAD); This variant is associated with the following publications: (PMID: 12075507)

NM_022124.6(CDH23):c.3844_3847dup (p.Val1283fs)

Genes: C10orf105 (chromosome 10 open reading frame 105; minus strand), CDH23 (cadherin related 23; plus strand). Cytogenetic location: 10q22.1.
Variant type: Duplication.
Coding change: c.3844_3847dup on transcript NM_022124.6 (MANE Select); coding-DNA positions 3844 to 3847, 4 bases duplicated (AATG; older notation c.3844_3847dupAATG).
Protein change: p.Val1283fs; shifts the reading frame from valine 1283.
Molecular consequence: frameshift variant. On other transcripts: intron variant (1).
Genome position (GRCh38, 1-based): chr10:71,732,115-71,732,118, AATG duplicated; duplicating any 4 consecutive bases within chr10:71,732,112-71,732,118 gives the same sequence; the c. name uses the placement nearest the transcript's 3' end. VCF-style (leftmost placement, unchanged base first): chr10-71732111-G-GATGA. GRCh37 (hg19) VCF-style: chr10-73491868-G-GATGA.
Other names: c.3844_3847dup, p.Val1283fs (NM_001171930.2); c.-6+5613_-6+5616dup (NM_001168390.2); short protein forms V1283fs.
Identifiers: ClinVar variation 4074341 (VCV004074341.1).